The following is an entry in ClinVar:

ClinVar aggregate classification (germline): Benign (1 of 4 stars; one submission).

Allele frequency attached by ClinVar (database versions not stated): 1000 Genomes Project 0.03435; 1000 Genomes Project 30x 0.03592; gnomAD 0.04834 and 0.04930; TOPMed 0.05090.
gnomAD v4.1: 7,563 of 152,268 alleles (5%); highest among the groups gnomAD compares: Non-Finnish European, 7.2%; 254 homozygotes.

Submission:

GeneDx
Classification: Benign. Last evaluated: 2018-06-19. Review status: criteria provided, single submitter. Criteria: GeneDx Variant Classification (06012015). Collection method: clinical testing. Allele origin: germline. Affected: yes.
Comment: This variant is considered likely benign or benign based on one or more of the following criteria: it is a conservative change, it occurs at a poorly conserved position in the protein, it is predicted to be benign by multiple in silico algorithms, and/or has population frequency not consistent with disease.

NM_001377.3(DYNC2H1):c.8089-230A>G

Gene: DYNC2H1 (dynein cytoplasmic 2 heavy chain 1; plus strand). Cytogenetic location: 11q22.3.
Variant type: single nucleotide variant.
Coding change: c.8089-230A>G on transcript NM_001377.3 (MANE Select); 230 bases into the intron before coding-DNA position 8089, A replaced by G.
Molecular consequence: intron variant.
Genome position (GRCh38, 1-based): chr11:103,199,816, A>G. VCF-style: chr11-103199816-A-G. GRCh37 (hg19) VCF-style: chr11-103070545-A-G.
Other names: c.8089-230A>G (NM_001080463.2).
Identifiers: ClinVar variation 669451 (VCV000669451.1), dbSNP rs72989785, ClinGen allele CA15703897.